The following is an entry in ClinVar:

NM_002878.4(RAD51D):c.314T>C (p.Ile105Thr)

Genes: RAD51L3-RFFL (RAD51L3-RFFL readthrough; minus strand), RAD51D (RAD51 paralog D; minus strand). Cytogenetic location: 17q12.
Variant type: single nucleotide variant.
Coding change: c.314T>C on transcript NM_002878.4 (MANE Select); coding-DNA position 314, T replaced by C.
Protein change: p.Ile105Thr; replaces isoleucine 105 with threonine.
Molecular consequence: missense variant. On other transcripts: non-coding transcript variant (2), intron variant (1).
Genome position (GRCh38, 1-based): chr17:35,107,397, A>G on the plus strand (T>C on the coding strand, the complement: RAD51D is on the minus strand). VCF-style: chr17-35107397-A-G. GRCh37 (hg19) VCF-style: chr17-33434416-A-G.
Other names: c.374T>C, p.Ile125Thr (NM_001142571.2); c.145-916T>C (NM_133629.3); short protein forms I105T, I125T.
Identifiers: ClinVar variation 410567 (VCV000410567.13), dbSNP rs368838910, ClinGen allele CA8499516.

ClinVar aggregate classification (germline): Uncertain significance. Review status: criteria provided, multiple submitters, no conflicts (2 of 4 stars). 2 submissions from 2 submitters: Uncertain significance (2). Last evaluated 2021-03-22.

Conditions:
Hereditary cancer-predisposing syndrome. Also called: Tumor predisposition; Hereditary Cancer Syndrome; Hereditary neoplastic syndrome; Neoplastic Syndromes, Hereditary. Identifiers: Orphanet 140162, MedGen C0027672, MeSH D009386, MONDO:0015356.
Breast-ovarian cancer, familial, susceptibility to, 4. Identifiers: Orphanet 145, MedGen C3280345, MONDO:0013669, OMIM 614291.

Allele frequency attached by ClinVar (database versions not stated): gnomAD exomes below 0.00001; ExAC 0.00001; TOPMed 0.00001; ESP Exome Variant Server 0.00008.

Submissions (2):

Ambry Genetics
Classification: Uncertain significance for Hereditary cancer-predisposing syndrome. Last evaluated: 2021-03-22. Review status: criteria provided, single submitter. Criteria: Ambry Variant Classification Scheme 2023. Collection method: clinical testing. Allele origin: germline.
Comment: The p.I105T variant (also known as c.314T>C), located in coding exon 4 of the RAD51D gene, results from a T to C substitution at nucleotide position 314. The isoleucine at codon 105 is replaced by threonine, an amino acid with similar properties. This amino acid position is not well conserved in available vertebrate species. In addition, this alteration is predicted to be deleterious by in silico analysis. Since supporting evidence is limited at this time, the clinical significance of this alteration remains unclear.

Labcorp Genetics (formerly Invitae), Labcorp
Classification: Uncertain significance for Breast-ovarian cancer, familial, susceptibility to, 4. Last evaluated: 2016-10-12. Review status: criteria provided, single submitter. Criteria: Invitae Variant Classification Sherloc (09022015). Collection method: clinical testing. Allele origin: germline.
Comment: In summary, this variant is a rare missense change with uncertain impact on protein function. There is no indication that it causes disease, but the available evidence is currently insufficient to prove that conclusively. Therefore, it has been classified as a Variant of Uncertain Significance. Algorithms developed to predict the effect of missense changes on protein structure and function (SIFT, PolyPhen-2, Align-GVGD) all suggest that this variant is likely to be disruptive, but these predictions have not been confirmed by published functional studies. This variant is present in population databases (rs368838910, ExAC 0.001%) but has not been reported in the literature in individuals with a RAD51D-related disease. This sequence change replaces isoleucine with threonine at codon 105 of the RAD51D protein (p.Ile105Thr). The isoleucine residue is weakly conserved and there is a moderate physicochemical difference between isoleucine and threonine.